The following continues an entry in ClinVar:

NM_000059.4(BRCA2):c.9154C>T (p.Arg3052Trp)

Gene: BRCA2. ClinVar aggregate classification (germline): Pathogenic. Pathogenic (1).

Submissions 39 to 41 of 41:

Department of Pathology and Laboratory Medicine, Sinai Health System
Classification: Pathogenic for Malignant tumor of breast. Review status: no assertion criteria provided. Collection method: clinical testing. Allele origin: unknown. Affected: yes. Study: The Canadian Open Genetics Repository (COGR). Not counted in ClinVar's aggregate classification.
Comment: The BRCA2 p.Arg3052Trp variant was identified in 5 of 10664 proband chromosomes (frequency: 0.0005) from individuals or families with breast and ovarian cancer (Borg 2010, Cunningham 2014, Trujillano 2015, Song 2014). The variant was also identified in the following databases: dbSNP (ID: rs45580035) as "With Pathogenic allele", ClinVar (13x pathogenic, 1x uncertain significance), Clinvitae (6X pathogenic), LOVD 3.0 (reported 50x, predicted deleterious), UMD-LSDB (10 records, causal), BIC Database (8x, clinical importance unknown), and ARUP Laboratories (definitely pathogenic). The variant was not identified in Cosmic, MutDB, or the Zhejiang Colon Cancer Database. The variant was identified in control databases in 3 of 246052 chromosomes at a frequency of 0.00001 (Genome Aggregation Database Feb 27, 2017). Breakdown of the observations by population include Latino in 1 of 33572 chromosomes (freq: 0.00003), European in 1 of 111550 chromosomes (freq: 0.000009), and South Asian in 1 of 30782 chromosomes (freq: 0.00003). The variant was not observed in the African, Other, Ashkenazi Jewish, East Asian, or Finnish populations. Functional studies investigating the DNA break repair activity of p.Arg3052Trp showed reduced activity of this variant (Farrugia 2008, Guidugli 2013). A study using mouse embryonic stem cells and bacterial artificial chromosomes demonstrated that cells expressing p.Arg3052Trp did not survive, suggesting it to be deleterious (Borg 2010). The p.Arg3052 residue is conserved across mammals and other organisms, and computational analyses (PolyPhen-2, SIFT, AlignGVGD, BLOSUM, MutationTaster) suggest that the variant may impact the protein; however, this information is not predictive enough to assume pathogenicity. The variant occurs outside of the splicing consensus sequence and in silico or computational prediction software programs (SpliceSiteFinder, MaxEntScan, NNSPLICE, GeneSplicer, HumanSpliceFinder) do not predict a difference in splicing. In summary, based on the above information this variant meets our laboratoryâ€šÃ„Ã´s criteria to be classified as pathogenic.

Diagnostic Laboratory, Department of Genetics, University Medical Center Groningen
Classification: Pathogenic for Breast-ovarian cancer, familial, susceptibility to, 2. Review status: no assertion criteria provided. Collection method: clinical testing. Allele origin: germline. Affected: yes. Study: VKGL Data-share Consensus. Not counted in ClinVar's aggregate classification.

Joint Genome Diagnostic Labs from Nijmegen and Maastricht, Radboudumc and MUMC+
Classification: Pathogenic. Review status: no assertion criteria provided. Collection method: clinical testing. Allele origin: germline. Affected: yes. Study: VKGL Data-share Consensus. Not counted in ClinVar's aggregate classification.

Literature cited by the submitters: PubMed 21990134 (cited by 3 submitters); PubMed 18451181 (cited by 6 submitters); PubMed 19200354 (cited by 6 submitters); PubMed 20104584 (cited by Labcorp Genetics (formerly Invitae), Labcorp and Quest Diagnostics Nichols Institute San Juan Capistrano); PubMed 24504028 (cited by 4 submitters); PubMed 24728189 (cited by 5 submitters); PubMed 25556971 (cited by 4 submitters); PubMed 26845104 (cited by Labcorp Genetics (formerly Invitae), Labcorp and Quest Diagnostics Nichols Institute San Juan Capistrano); PubMed 33609447 (cited by Labcorp Genetics (formerly Invitae), Labcorp and Mayo Clinic Laboratories, Mayo Clinic); PubMed 18607349 (cited by 6 submitters); PubMed 23108138 (cited by Labcorp Genetics (formerly Invitae), Labcorp and Quest Diagnostics Nichols Institute San Juan Capistrano); PubMed 25146914 (cited by 3 submitters); PubMed 19043619 (cited by Ambry Genetics); PubMed 19563646 (cited by 4 submitters); PubMed 20513136 (cited by 4 submitters); PubMed 21520273 (cited by Ambry Genetics and Quest Diagnostics Nichols Institute San Juan Capistrano); PubMed 21702907 (cited by Ambry Genetics); PubMed 23231788 (cited by Ambry Genetics and Quest Diagnostics Nichols Institute San Juan Capistrano); PubMed 24323938 (cited by 4 submitters); PubMed 25085752 (cited by Ambry Genetics and Mayo Clinic Laboratories, Mayo Clinic); PubMed 25782689 (cited by Ambry Genetics); PubMed 28283652 (cited by 3 submitters); PubMed 28724667 (cited by 5 submitters); PubMed 29394989 (cited by 4 submitters); PubMed 25682074 (cited by All of Us Research Program, National Institutes of Health and Color Diagnostics, LLC DBA Color Health); PubMed 26221963 (cited by 4 submitters); PubMed 29446198 (cited by 3 submitters); PubMed 33471991 (cited by All of Us Research Program, National Institutes of Health and Color Diagnostics, LLC DBA Color Health); PubMed 35711920 (cited by All of Us Research Program, National Institutes of Health and Color Diagnostics, LLC DBA Color Health); PubMed 29176636 (cited by Mayo Clinic Laboratories, Mayo Clinic); PubMed 29339979 (cited by Mayo Clinic Laboratories, Mayo Clinic); PubMed 29988080 (cited by Mayo Clinic Laboratories, Mayo Clinic); PubMed 32438681 (cited by Mayo Clinic Laboratories, Mayo Clinic); PubMed 32444794 (cited by Mayo Clinic Laboratories, Mayo Clinic); PubMed 32853339 (cited by Mayo Clinic Laboratories, Mayo Clinic); PubMed 34399810 (cited by Mayo Clinic Laboratories, Mayo Clinic); PubMed 34597585 (cited by Mayo Clinic Laboratories, Mayo Clinic); PubMed 26295337 (cited by Quest Diagnostics Nichols Institute San Juan Capistrano).